The following is an entry in ClinVar:

ClinVar aggregate classification (germline): Uncertain significance (1 of 4 stars; one submission).

gnomAD v4.1: 1 of 1,612,696 alleles (0.000062%); no homozygotes.

Submission:

Labcorp Genetics (formerly Invitae), Labcorp
Classification: Uncertain significance. Last evaluated: 2024-02-17. Review status: criteria provided, single submitter. Criteria: Invitae Variant Classification Sherloc (09022015). Collection method: clinical testing. Allele origin: germline.
Comment: This sequence change replaces phenylalanine, which is neutral and non-polar, with tyrosine, which is neutral and polar, at codon 498 of the CLCN7 protein (p.Phe498Tyr). This variant is not present in population databases (gnomAD no frequency). This variant has not been reported in the literature in individuals affected with CLCN7-related conditions. An algorithm developed to predict the effect of missense changes on protein structure and function (PolyPhen-2) suggests that this variant is likely to be disruptive. In summary, the available evidence is currently insufficient to determine the role of this variant in disease. Therefore, it has been classified as a Variant of Uncertain Significance.

NM_001287.6(CLCN7):c.1493T>A (p.Phe498Tyr)

Gene: CLCN7 (chloride voltage-gated channel 7; minus strand). Cytogenetic location: 16p13.3.
Variant type: single nucleotide variant.
Coding change: c.1493T>A on transcript NM_001287.6 (MANE Select); coding-DNA position 1493, T replaced by A.
Protein change: p.Phe498Tyr; replaces phenylalanine 498 with tyrosine.
Molecular consequence: missense variant.
Genome position (GRCh38, 1-based): chr16:1,450,621, A>T on the plus strand (T>A on the coding strand, the complement: CLCN7 is on the minus strand). VCF-style: chr16-1450621-A-T. GRCh37 (hg19) VCF-style: chr16-1500622-A-T.
Other names: c.1421T>A, p.Phe474Tyr (NM_001114331.3); short protein forms F498Y, F474Y.
Identifiers: ClinVar variation 3641724 (VCV003641724.2).